The following is an entry in ClinVar:

ClinVar aggregate classification (germline): Pathogenic (1 of 4 stars; one submission).

Conditions:
Niemann-Pick disease, type C1. Also called: NEUROVISCERAL STORAGE DISEASE WITH VERTICAL SUPRANUCLEAR OPHTHALMOPLEGIA; NIEMANN-PICK DISEASE WITH CHOLESTEROL ESTERIFICATION BLOCK; NIEMANN-PICK DISEASE WITHOUT SPHINGOMYELINASE DEFICIENCY; NIEMANN-PICK DISEASE, CHRONIC NEURONOPATHIC FORM; NIEMANN-PICK DISEASE, VARIANT TYPE C1. Identifiers: Orphanet 646, MedGen C3179455, MONDO:0009757, OMIM 257220.

Allele frequency attached by ClinVar (database versions not stated): TOPMed below 0.00001; gnomAD 0.00001.
gnomAD v4.1: 2 of 1,614,110 alleles (0.00012%); highest among the groups gnomAD compares: Non-Finnish European, 0.00017%; no homozygotes.

Submission:

Labcorp Genetics (formerly Invitae), Labcorp
Classification: Pathogenic for Niemann-Pick disease, type C1. Last evaluated: 2023-03-12. Review status: criteria provided, single submitter. Criteria: Invitae Variant Classification Sherloc (09022015). Collection method: clinical testing. Allele origin: germline.
Comment: For these reasons, this variant has been classified as Pathogenic. This premature translational stop signal has been observed in individual(s) with Niemann-Pick disease type C (PMID: 19223215, 25131710). This variant is not present in population databases (gnomAD no frequency). This sequence change creates a premature translational stop signal (p.Gln775*) in the NPC1 gene. It is expected to result in an absent or disrupted protein product. Loss-of-function variants in NPC1 are known to be pathogenic (PMID: 9211850).

Literature cited by the submitters: PubMed 19223215; PubMed 25131710; PubMed 9211850.

NM_000271.5(NPC1):c.2323C>T (p.Gln775Ter)

Gene: NPC1 (NPC intracellular cholesterol transporter 1; minus strand). Cytogenetic location: 18q11.2.
Variant type: single nucleotide variant.
Coding change: c.2323C>T on transcript NM_000271.5 (MANE Select); coding-DNA position 2323, C replaced by T.
Protein change: p.Gln775Ter; replaces glutamine 775 with a stop codon.
Molecular consequence: nonsense.
Genome position (GRCh38, 1-based): chr18:23,541,356, G>A on the plus strand (C>T on the coding strand, the complement: NPC1 is on the minus strand). VCF-style: chr18-23541356-G-A. GRCh37 (hg19) VCF-style: chr18-21121320-G-A.
Other names: short protein forms Q775*.
Identifiers: ClinVar variation 2736705 (VCV002736705.4), dbSNP rs1338210490, ClinGen allele CA401793689.